The following is an entry in ClinVar:

NM_000829.4(GRIA4):c.487+44641A>G

Gene: GRIA4 (glutamate ionotropic receptor AMPA type subunit 4; plus strand). Cytogenetic location: 11q22.3.
Variant type: single nucleotide variant.
Coding change: c.487+44641A>G on transcript NM_000829.4 (MANE Select); 44641 bases into the intron after coding-DNA position 487, A replaced by G.
Molecular consequence: intron variant.
Genome position (GRCh38, 1-based): chr11:105,797,861, A>G. VCF-style: chr11-105797861-A-G. GRCh37 (hg19) VCF-style: chr11-105668587-A-G.
Other names: c.487+44641A>G (NM_001077243.3, NM_001077244.2, NM_001112812.2).
Identifiers: ClinVar variation 2642334 (VCV002642334.24), dbSNP rs529625619, ClinGen allele CA6258387.
Genomic context (GRCh38, chr11:105,797,861, plus strand): 5'-TCTACAACAAGAGCATAAACTCCATAACTGCTTGCCTTTTAGGGCCTAGCACAGAGCTCA[A>G]TGTATTTAATTACTTGATTGCTGATTCAAATTTAAACAATGGAAATTACATACATTTTTG-3'

ClinVar aggregate classification (germline): Benign (1 of 4 stars; one submission).

Allele frequency attached by ClinVar (database versions not stated): ExAC 0.00029; gnomAD 0.00104; TOPMed 0.00116; gnomAD exomes 0.00125.
gnomAD v4.1: 527 of 448,850 alleles (0.12%); highest among the groups gnomAD compares: Non-Finnish European, 0.21%; no homozygotes.

Submission:

CeGaT Center for Human Genetics Tuebingen
Classification: Benign. Last evaluated: 2022-09-01. Review status: criteria provided, single submitter. Criteria: CeGaT Center For Human Genetics Tuebingen Variant Classification Criteria Version 2. Collection method: clinical testing. Allele origin: germline. Affected: yes. Observed: 5 variant alleles.
Comment: GRIA4: BS1, BS2